The following is an entry in ClinVar:

ClinVar aggregate classification (germline): Pathogenic (1 of 4 stars; one submission).

Conditions:
Duchenne muscular dystrophy (DMD). Also called: Duchenne Muscular Dystrophy (DMD); MUSCULAR DYSTROPHY, PSEUDOHYPERTROPHIC PROGRESSIVE, DUCHENNE TYPE. Identifiers: Orphanet 98896, MedGen C0013264, MONDO:0010679, OMIM 310200.

Submission:

Labcorp Genetics (formerly Invitae), Labcorp
Classification: Pathogenic for Duchenne muscular dystrophy. Last evaluated: 2023-06-05. Review status: criteria provided, single submitter. Criteria: Invitae Variant Classification Sherloc (09022015). Collection method: clinical testing. Allele origin: germline.
Comment: For these reasons, this variant has been classified as Pathogenic. A similar copy number variant has been observed in individual(s) with clinical features of DMD-related conditions (PMID: 29604111). This variant results in a copy number gain of the genomic region encompassing exon(s) 52-61 of the DMD gene. While the exact position of this variant cannot be determined from the data, sub-genic copy number gains are generally in tandem (PMID: 25640679). This variant is predicted to be out-of-frame, and may result in an absent or disrupted protein product. Loss-of-function variants in DMD are known to be pathogenic (PMID: 16770791, 25007885).

Literature cited by the submitters: PubMed 29604111; PubMed 25640679; PubMed 16770791; PubMed 25007885.

NC_000023.10:g.(?_31366653)_(31747885_?)dup

Gene: DMD (dystrophin; minus strand). Cytogenetic location: Xp21.2-21.1.
Variant type: Duplication.
Identifiers: ClinVar variation 526146 (VCV000526146.8).